The following is an entry in ClinVar:

ClinVar aggregate classification (germline): Pathogenic (1 of 4 stars; one submission).

Conditions:
CEP290-related ciliopathy. Also called: CEP290 ciliopathy. Identifiers: MedGen CN305601, MONDO:0100451.

Submission:

Myriad Genetics, Inc.
Classification: Pathogenic for CEP290-related ciliopathy. Last evaluated: 2026-01-27. Review status: criteria provided, single submitter. Criteria: Myriad Autosomal Dominant, Autosomal Recessive and X-Linked Classification Criteria (2023). Collection method: clinical testing. Allele origin: unknown.
Comment: NM_025114.3(CEP290):c.21delG(W7*) is a nonsense variant classified as pathogenic in the context of CEP290-related disorders. W7* has not been observed in cases with relevant disease. Relevant functional assessments of this variant are not available in the literature. W7* has been observed in referenced population frequency databases. In summary, NM_025114.3(CEP290):c.21delG(W7*) is a nonsense variant in a gene where loss of function is a known mechanism of disease and is predicted to disrupt protein function. Please note: this variant was assessed in the context of healthy population screening.

NM_025114.4(CEP290):c.21del (p.Asn6_Trp7insTer)

Gene: CEP290 (centrosomal protein 290; minus strand). Cytogenetic location: 12q21.32.
Variant type: Deletion.
Coding change: c.21del on transcript NM_025114.4 (MANE Select); coding-DNA position 21, one base deleted (G; older notation c.21delG).
Protein change: p.Asn6_Trp7insTer.
Molecular consequence: nonsense.
Genome position (GRCh38, 1-based): chr12:88,141,287, C deleted on the plus strand (G on the coding strand, the reverse complement: CEP290 is on the minus strand); the first of 2 consecutive C bases (chr12:88,141,287-88,141,288); deleting either gives the same sequence. VCF-style (leftmost placement, unchanged base first): chr12-88141286-TC-T. GRCh37 (hg19) VCF-style: chr12-88535063-TC-T.
Identifiers: ClinVar variation 5004005 (VCV005004005.1).
Genomic context (GRCh38, chr12:88,141,286, plus strand): 5'-AATTATCTGCCAGTTCTTCTTGACGGGGCAGGTCATCTGGGTCAACTTTCATTATTTCTT[TC>T]CAGTTTATATTAGGTGGCATCTTGAATTCTTTCACTGTGCTCCACCTCTGTAACAAAACA-3'